The following is an entry in ClinVar:

NM_003737.4(DCHS1):c.1499C>G (p.Pro500Arg)

Gene: DCHS1 (dachsous cadherin-related 1; minus strand). Cytogenetic location: 11p15.4.
Variant type: single nucleotide variant.
Coding change: c.1499C>G on transcript NM_003737.4 (MANE Select); coding-DNA position 1499, C replaced by G.
Protein change: p.Pro500Arg; replaces proline 500 with arginine.
Molecular consequence: missense variant.
Genome position (GRCh38, 1-based): chr11:6,640,115, G>C on the plus strand (C>G on the coding strand, the complement: DCHS1 is on the minus strand). VCF-style: chr11-6640115-G-C. GRCh37 (hg19) VCF-style: chr11-6661346-G-C.
Other names: short protein forms P500R.
Identifiers: ClinVar variation 4765792 (VCV004765792.1).

ClinVar aggregate classification (germline): Uncertain significance (1 of 4 stars; one submission).

gnomAD v4.1: 4 of 1,613,514 alleles (0.00025%); highest among the groups gnomAD compares: Admixed American, 0.0033%; no homozygotes.

Submission:

Labcorp Genetics (formerly Invitae), Labcorp
Classification: Uncertain significance. Last evaluated: 2025-12-14. Review status: criteria provided, single submitter. Criteria: Invitae Variant Classification Sherloc (09022015). Collection method: clinical testing. Allele origin: germline.
Comment: This sequence change replaces proline, which is neutral and non-polar, with arginine, which is basic and polar, at codon 500 of the DCHS1 protein (p.Pro500Arg). This variant is present in population databases (rs764068305, gnomAD 0.003%). This variant has not been reported in the literature in individuals affected with DCHS1-related conditions. Invitae Evidence Modeling of protein sequence and biophysical properties (such as structural, functional, and spatial information, amino acid conservation, physicochemical variation, residue mobility, and thermodynamic stability) has been performed for this missense variant. However, the output from this modeling did not meet the statistical confidence thresholds required to predict the impact of this variant on DCHS1 protein function. In summary, the available evidence is currently insufficient to determine the role of this variant in disease. Therefore, it has been classified as a Variant of Uncertain Significance.